The following is an entry in ClinVar:

NM_000038.6(APC):c.1392T>C (p.His464=)

Gene: APC (APC regulator of Wnt signaling pathway; plus strand). Cytogenetic location: 5q22.2.
Variant type: single nucleotide variant.
Coding change: c.1392T>C on transcript NM_000038.6 (MANE Select); coding-DNA position 1392, T replaced by C.
Protein change: p.His464=; no amino-acid change (histidine 464 retained).
Molecular consequence: synonymous variant.
Genome position (GRCh38, 1-based): chr5:112,821,975, T>C. VCF-style: chr5-112821975-T-C. GRCh37 (hg19) VCF-style: chr5-112157672-T-C.
Other names: c.1392T>C, p.His464= (NM_001127510.3, NM_001354895.2, NM_001354896.2); c.1338T>C, p.His446= (NM_001127511.3); c.1422T>C, p.His474= (NM_001354897.2); c.1317T>C, p.His439= (NM_001354898.2); c.1308T>C, p.His436= (NM_001354899.2); c.1215T>C, p.His405= (NM_001354900.2, NM_001354901.2); c.1119T>C, p.His373= (NM_001354902.2); c.1089T>C, p.His363= (NM_001354903.2); and 3 more.
Identifiers: ClinVar variation 391411 (VCV000391411.37), dbSNP rs1057524073, ClinGen allele CA16604741.

ClinVar aggregate classification (germline): Benign/Likely benign. Review status: criteria provided, multiple submitters, no conflicts (2 of 4 stars). 9 submissions from 9 submitters: Benign (1); Likely benign (8). Last evaluated 2026-01-13.

Conditions:
Familial adenomatous polyposis 1 (FAP1). Also called: POLYPOSIS, ADENOMATOUS INTESTINAL; FAMILIAL ADENOMATOUS POLYPOSIS 1, ATTENUATED. Identifiers: MedGen C2713442, MONDO:0021056, OMIM 175100. Disease mechanism: loss of function.
Classic or attenuated familial adenomatous polyposis. Identifiers: MedGen CN372698, MONDO:0021057.
Hereditary cancer-predisposing syndrome. Also called: Neoplastic Syndromes, Hereditary; Hereditary neoplastic syndrome; Tumor predisposition; Hereditary Cancer Syndrome. Identifiers: Orphanet 140162, MedGen C0027672, MeSH D009386, MONDO:0015356.

Allele frequency attached by ClinVar (database versions not stated): gnomAD exomes 0.00002; gnomAD 0.00003 and 0.00004; TOPMed 0.00003.
gnomAD v4.1: 12 of 1,611,106 alleles (0.00074%); highest among the groups gnomAD compares: Admixed American, 0.0083%; no homozygotes.

Submissions (9):

Labcorp Genetics (formerly Invitae), Labcorp
Classification: Likely benign for Familial adenomatous polyposis 1. Last evaluated: 2026-01-13. Review status: criteria provided, single submitter. Criteria: Invitae Variant Classification Sherloc (09022015). Collection method: clinical testing. Allele origin: germline.

CeGaT Center for Human Genetics Tuebingen
Classification: Likely benign. Last evaluated: 2024-10-01. Review status: criteria provided, single submitter. Criteria: CeGaT Center For Human Genetics Tuebingen Variant Classification Criteria Version 2. Collection method: clinical testing. Allele origin: germline. Affected: yes. Observed: 1 variant allele.
Comment: APC: BP4, BP7

Myriad Genetics, Inc.
Classification: Benign for Familial adenomatous polyposis 1. Last evaluated: 2024-03-01. Review status: criteria provided, single submitter. Criteria: Myriad Autosomal Dominant, Autosomal Recessive and X-Linked Classification Criteria (2023). Collection method: clinical testing. Allele origin: unknown.
Comment: This variant is considered benign. This variant is a silent/synonymous amino acid change and it is not expected to impact splicing.

All of Us Research Program, National Institutes of Health
Classification: Likely benign for Classic or attenuated familial adenomatous polyposis. Last evaluated: 2023-12-01. Review status: criteria provided, single submitter. Criteria: ACMG Guidelines, 2015. Collection method: clinical testing. Allele origin: germline. Inheritance: Autosomal dominant inheritance. Observed: 3 variant alleles, 3 heterozygotes.
Comment: This study involves interpretation of variants in research participants for the purpose of population health screening. Participant phenotype was not available at the time of variant classification. Additional details can be found in publication PMID: 35346344, PMCID: PMC8962531

Blueprint Genetics
Classification: Likely benign. Last evaluated: 2021-06-04. Review status: criteria provided, single submitter. Criteria: ACMG Guidelines, 2015. Collection method: clinical testing. Allele origin: germline.

Women's Health and Genetics/Laboratory Corporation of America, LabCorp
Classification: Likely benign. Last evaluated: 2019-08-20. Review status: criteria provided, single submitter. Criteria: LabCorp Variant Classification Summary - May 2015. Collection method: clinical testing. Allele origin: germline.

Color Diagnostics, LLC DBA Color Health
Classification: Likely benign for Hereditary cancer-predisposing syndrome. Last evaluated: 2018-03-27. Review status: criteria provided, single submitter. Criteria: ACMG Guidelines, 2015. Collection method: clinical testing. Allele origin: germline.

GeneDx
Classification: Likely benign. Last evaluated: 2016-11-30. Review status: criteria provided, single submitter. Criteria: GeneDx Variant Classification (06012015). Collection method: clinical testing. Allele origin: germline. Affected: yes.
Comment: This variant is considered likely benign or benign based on one or more of the following criteria: it is a conservative change, it occurs at a poorly conserved position in the protein, it is predicted to be benign by multiple in silico algorithms, and/or has population frequency not consistent with disease.

Ambry Genetics
Classification: Likely benign for Hereditary cancer-predisposing syndrome. Last evaluated: 2015-01-16. Review status: criteria provided, single submitter. Criteria: Ambry Variant Classification Scheme 2023. Collection method: clinical testing. Allele origin: germline.